The following is an entry in ClinVar:

NM_004958.4(MTOR):c.1924C>T (p.His642Tyr)

Gene: MTOR (mechanistic target of rapamycin kinase; minus strand). Cytogenetic location: 1p36.22.
Variant type: single nucleotide variant.
Coding change: c.1924C>T on transcript NM_004958.4 (MANE Select); coding-DNA position 1924, C replaced by T.
Protein change: p.His642Tyr; replaces histidine 642 with tyrosine.
Molecular consequence: missense variant.
Genome position (GRCh38, 1-based): chr1:11,238,480, G>A on the plus strand (C>T on the coding strand, the complement: MTOR is on the minus strand). VCF-style: chr1-11238480-G-A. GRCh37 (hg19) VCF-style: chr1-11298537-G-A.
Other names: c.1924C>T, p.His642Tyr (NM_001386500.1); c.676C>T, p.His226Tyr (NM_001386501.1); short protein forms H642Y, H226Y.
Identifiers: ClinVar variation 2808605 (VCV002808605.3), dbSNP rs2523316736, ClinGen allele CA338389324.

ClinVar aggregate classification (germline): Uncertain significance (1 of 4 stars; one submission).

Allele frequency attached by ClinVar (database versions not stated): gnomAD exomes below 0.00001.

Submission:

Labcorp Genetics (formerly Invitae), Labcorp
Classification: Uncertain significance. Last evaluated: 2025-07-15. Review status: criteria provided, single submitter. Criteria: Invitae Variant Classification Sherloc (09022015). Collection method: clinical testing. Allele origin: germline.
Comment: This sequence change replaces histidine, which is basic and polar, with tyrosine, which is neutral and polar, at codon 642 of the MTOR protein (p.His642Tyr). This variant is not present in population databases (gnomAD no frequency). This variant has not been reported in the literature in individuals affected with MTOR-related conditions. ClinVar contains an entry for this variant (Variation ID: 2808605). Invitae Evidence Modeling of protein sequence and biophysical properties (such as structural, functional, and spatial information, amino acid conservation, physicochemical variation, residue mobility, and thermodynamic stability) indicates that this missense variant is not expected to disrupt MTOR protein function with a negative predictive value of 95%. In summary, the available evidence is currently insufficient to determine the role of this variant in disease. Therefore, it has been classified as a Variant of Uncertain Significance.